The following is an entry in ClinVar:

NM_000089.4(COL1A2):c.595-2A>G

Gene: COL1A2 (collagen type I alpha 2 chain; plus strand). Cytogenetic location: 7q21.3.
Variant type: single nucleotide variant.
Coding change: c.595-2A>G on transcript NM_000089.4 (MANE Select); the canonical splice acceptor site of the intron before coding-DNA position 595, A replaced by G.
Molecular consequence: splice acceptor variant.
Genome position (GRCh38, 1-based): chr7:94,407,845, A>G. VCF-style: chr7-94407845-A-G. GRCh37 (hg19) VCF-style: chr7-94037157-A-G.
Identifiers: ClinVar variation 581682 (VCV000581682.12), dbSNP rs72656375, ClinGen allele CA162917418.

ClinVar aggregate classification (germline): Pathogenic/Likely pathogenic. Review status: criteria provided, multiple submitters, no conflicts (2 of 4 stars). 3 submissions from 3 submitters: Pathogenic (2); Likely pathogenic (1). Last evaluated 2023-04-10.

Conditions:
Osteogenesis imperfecta (OI). Identifiers: Orphanet 666, MedGen C0029434, MeSH D010013, MONDO:0019019.
Osteogenesis imperfecta type I (OI1). Also called: OI, TYPE I; OSTEOGENESIS IMPERFECTA TARDA; OSTEOGENESIS IMPERFECTA WITH BLUE SCLERAE; Lobstein's Disease; Classic Non-deforming Osteogenesis Imperfecta with Blue Sclerae; Lobstein disease. Identifiers: Orphanet 216796, Orphanet 666, MedGen C0023931, MONDO:0008146, OMIM 166200. Disease mechanism: loss of function.
Ehlers-Danlos syndrome, classic type, 1 (EDSCL1). Also called: Ehlers-Danlos Syndrome, Classic Type, COL5A1-Related; EDS I; Ehlers-Danlos syndrome, type 1; EHLERS-DANLOS SYNDROME, GRAVIS TYPE; EHLERS-DANLOS SYNDROME, SEVERE CLASSIC TYPE. Identifiers: MedGen C0268335, MONDO:0019567, OMIM 130000.

Submissions (3):

GeneDx
Classification: Pathogenic. Last evaluated: 2023-04-10. Review status: criteria provided, single submitter. Criteria: GeneDx Variant Classification Process June 2021. Collection method: clinical testing. Allele origin: germline. Affected: yes.
Comment: Reported in unrelated patients with osteogenesis imperfecta in published literature (Lee et al., 2006; Chen et al., 2022); patient-level clinical information not provided; Canonical splice site variant predicted to result in a null allele in a gene for which loss of function is a known mechanism of disease; Damages or destroys the splice acceptor site in intron 12, and is expected to cause abnormal gene splicing; if the splice outcome is exon skip, the loss of the encoded residues in the triple helical region is expected to disrupt normal protein folding and function, and this is an established mechanism of disease (HGMD); Not observed at significant frequency in large population cohorts (gnomAD); This variant is associated with the following publications: (PMID: 25525159, 35154279, 16705691)

Labcorp Genetics (formerly Invitae), Labcorp
Classification: Likely pathogenic for Osteogenesis imperfecta type I; Ehlers-Danlos syndrome, classic type, 1. Last evaluated: 2018-02-27. Review status: criteria provided, single submitter. Criteria: Invitae Variant Classification Sherloc (09022015). Collection method: clinical testing. Allele origin: germline.
Comment: This variant is not present in population databases (ExAC no frequency). This sequence change affects an acceptor splice site in intron 12 of the COL1A2 gene. It is expected to disrupt RNA splicing and likely results in an absent or disrupted protein product. This variant has been reported in an individual affected with osteogenesis imperfecta (PMID: 16705691). In summary, the currently available evidence indicates that the variant is pathogenic, but additional data are needed to prove that conclusively. Therefore, this variant has been classified as Likely Pathogenic. Donor and acceptor splice site variants typically lead to a loss of protein function (PMID: 16199547), and loss-of-function variants in COL1A2 are known to be pathogenic (PMID: 2993307, 3372533, 6092353, 16816023, 27510842). Algorithms developed to predict the effect of sequence changes on RNA splicing suggest that this variant may disrupt the consensus splice site, but this prediction has not been confirmed by published transcriptional studies.

Equipe Genetique des Anomalies du Developpement, Université de Bourgogne
Classification: Pathogenic for Osteogenesis imperfecta. Review status: criteria provided, single submitter. Criteria: ACMG Guidelines, 2015. Collection method: clinical testing. Allele origin: unknown. Affected: yes.

Literature cited by the submitters: PubMed 16705691 (cited by Labcorp Genetics (formerly Invitae), Labcorp); PubMed 16199547 (cited by Labcorp Genetics (formerly Invitae), Labcorp); PubMed 2993307 (cited by Labcorp Genetics (formerly Invitae), Labcorp); PubMed 3372533 (cited by Labcorp Genetics (formerly Invitae), Labcorp); PubMed 6092353 (cited by Labcorp Genetics (formerly Invitae), Labcorp); PubMed 16816023 (cited by Labcorp Genetics (formerly Invitae), Labcorp); PubMed 27510842 (cited by Labcorp Genetics (formerly Invitae), Labcorp).